The following is an entry in ClinVar:

ClinVar aggregate classification (germline): Uncertain significance. Review status: criteria provided, multiple submitters, no conflicts (2 of 4 stars). 3 submissions from 3 submitters: Uncertain significance (3). Last evaluated 2024-12-07.

Conditions:
Symmetrical dyschromatosis of extremities (DSH). Also called: Dyschromatosis symmetrica hereditaria; RETICULATE ACROPIGMENTATION OF DOHI; SYMMETRIC DYSCHROMATOSIS OF THE EXTREMITIES; DYSCHROMATOSIS SYMMETRICA HEREDITARIA 1. Identifiers: Orphanet 41, MedGen C0406775, MONDO:0007483, OMIM 127400.
Aicardi-Goutieres syndrome 6 (AGS6). Identifiers: Orphanet 51, MedGen C3539013, MONDO:0014007, OMIM 615010.

Allele frequency attached by ClinVar (database versions not stated): gnomAD exomes below 0.00001.
gnomAD v4.1: 3 of 1,614,042 alleles (0.00019%); highest among the groups gnomAD compares: Non-Finnish European, 0.00025%; no homozygotes.

Submissions (3):

Labcorp Genetics (formerly Invitae), Labcorp
Classification: Uncertain significance for Aicardi-Goutieres syndrome 6; Symmetrical dyschromatosis of extremities. Last evaluated: 2024-12-07. Review status: criteria provided, single submitter. Criteria: Invitae Variant Classification Sherloc (09022015). Collection method: clinical testing. Allele origin: germline.
Comment: This sequence change replaces alanine, which is neutral and non-polar, with threonine, which is neutral and polar, at codon 742 of the ADAR protein (p.Ala742Thr). This variant is not present in population databases (gnomAD no frequency). This variant has not been reported in the literature in individuals affected with ADAR-related conditions. ClinVar contains an entry for this variant (Variation ID: 1064276). Invitae Evidence Modeling of protein sequence and biophysical properties (such as structural, functional, and spatial information, amino acid conservation, physicochemical variation, residue mobility, and thermodynamic stability) has been performed for this missense variant. However, the output from this modeling did not meet the statistical confidence thresholds required to predict the impact of this variant on ADAR protein function. In summary, the available evidence is currently insufficient to determine the role of this variant in disease. Therefore, it has been classified as a Variant of Uncertain Significance.

Genome-Nilou Lab
Classification: Uncertain significance for Aicardi-Goutieres syndrome 6. Last evaluated: 2023-04-11. Review status: criteria provided, single submitter. Criteria: ACMG Guidelines, 2015. Collection method: clinical testing. Allele origin: germline. Affected: no.

GeneDx
Classification: Uncertain significance. Last evaluated: 2021-01-12. Review status: criteria provided, single submitter. Criteria: GeneDx Variant Classification Process June 2021. Collection method: clinical testing. Allele origin: germline. Affected: yes.
Comment: Not observed in large population cohorts (Lek et al., 2016); In silico analysis supports that this missense variant does not alter protein structure/function; Has not been previously published as pathogenic or benign to our knowledge

NM_001111.5(ADAR):c.2224G>A (p.Ala742Thr)

Gene: ADAR (adenosine deaminase RNA specific; minus strand). Cytogenetic location: 1q21.3.
Variant type: single nucleotide variant.
Coding change: c.2224G>A on transcript NM_001111.5 (MANE Select); coding-DNA position 2224, G replaced by A.
Protein change: p.Ala742Thr; replaces alanine 742 with threonine.
Molecular consequence: missense variant.
Genome position (GRCh38, 1-based): chr1:154,596,851, C>T on the plus strand (G>A on the coding strand, the complement: ADAR is on the minus strand). VCF-style: chr1-154596851-C-T. GRCh37 (hg19) VCF-style: chr1-154569327-C-T.
Other names: c.1339G>A, p.Ala447Thr (NM_001025107.3, NM_001193495.2, NM_001365046.1 and 3 more transcripts); c.2251G>A, p.Ala751Thr (NM_001365045.1); c.2224G>A, p.Ala742Thr (NM_015840.4); c.2167G>A, p.Ala723Thr (NM_015841.4); short protein forms A447T, A723T, A742T, A751T.
Identifiers: ClinVar variation 1064276 (VCV001064276.11), dbSNP rs2101619298, ClinGen allele CA342637744.